The following is an entry in ClinVar:

ClinVar aggregate classification (germline): Uncertain significance (1 of 4 stars; one submission).

Submission:

Labcorp Genetics (formerly Invitae), Labcorp
Classification: Uncertain significance. Last evaluated: 2022-07-20. Review status: criteria provided, single submitter. Criteria: Invitae Variant Classification Sherloc (09022015). Collection method: clinical testing. Allele origin: germline.
Comment: In summary, the available evidence is currently insufficient to determine the role of this variant in disease. Therefore, it has been classified as a Variant of Uncertain Significance. This variant disrupts a region of the TUBGCP6 protein in which other variant(s) (p.Glu849Gly) have been observed in individuals with TUBGCP6-related conditions (PMID: 25344692). This suggests that this is a clinically significant region of the protein, and that variants that disrupt it are likely to be disease-causing. This variant has not been reported in the literature in individuals affected with TUBGCP6-related conditions. This variant is a gross deletion of the genomic region encompassing exon(s) 4-25 of the TUBGCP6 gene, which includes the termination codon. This deletion extends beyond the assayed region for this gene and therefore may encompass additional genes. While this deletion is not anticipated to lead to nonsense mediated decay, it is expected to alter mRNA translation or result in a truncated protein product.

Literature cited by the submitters: PubMed 25344692.

NC_000022.10:g.(?_50656165)_(50668026_?)del

Gene: TUBGCP6 (tubulin gamma complex component 6; minus strand). Cytogenetic location: 22q13.33.
Variant type: Deletion.
Identifiers: ClinVar variation 1412217 (VCV001412217.5).